The following is an entry in ClinVar:

NM_001267550.2(TTN):c.94493C>G (p.Ser31498Ter)

Genes: TTN (titin; minus strand), TTN-AS1 (TTN antisense RNA 1; plus strand). Cytogenetic location: 2q31.2.
Variant type: single nucleotide variant.
Coding change: c.94493C>G on transcript NM_001267550.2 (MANE Select); coding-DNA position 94493, C replaced by G.
Protein change: p.Ser31498Ter; replaces serine 31498 with a stop codon.
Molecular consequence: nonsense.
Genome position (GRCh38, 1-based): chr2:178,547,032, G>C on the plus strand (C>G on the coding strand, the complement: TTN is on the minus strand). VCF-style: chr2-178547032-G-C. GRCh37 (hg19) VCF-style: chr2-179411759-G-C.
Other names: c.89570C>G, p.Ser29857Ter (NM_001256850.1); c.67298C>G, p.Ser22433Ter (NM_003319.4); c.86789C>G, p.Ser28930Ter (NM_133378.4); c.67673C>G, p.Ser22558Ter (NM_133432.3); c.67874C>G, p.Ser22625Ter (NM_133437.4); short protein forms S22433*, S22558*, S22625*, S28930*, S29857*, S31498*.
Identifiers: ClinVar variation 3755186 (VCV003755186.2).

ClinVar aggregate classification (germline): Likely pathogenic (1 of 4 stars; one submission).

Conditions:
Dilated cardiomyopathy 1G (CMD1G). Identifiers: Orphanet 154, MedGen C1858763, MONDO:0011400, OMIM 604145.
Autosomal recessive limb-girdle muscular dystrophy type 2J (LGMDR10). Also called: Limb-girdle muscular dystrophy, type 2J; MUSCULAR DYSTROPHY, LIMB-GIRDLE, AUTOSOMAL RECESSIVE 10. Identifiers: Orphanet 140922, MedGen C1837342, MONDO:0012127, OMIM 608807.

Submission:

Labcorp Genetics (formerly Invitae), Labcorp
Classification: Likely pathogenic for Dilated cardiomyopathy 1G; Autosomal recessive limb-girdle muscular dystrophy type 2J. Last evaluated: 2024-03-08. Review status: criteria provided, single submitter. Criteria: Invitae Variant Classification Sherloc (09022015). Collection method: clinical testing. Allele origin: germline.
Comment: This sequence change creates a premature translational stop signal (p.Ser31498*) in the TTN gene. While this is not anticipated to result in nonsense mediated decay, it is expected to create a truncated TTN protein. This variant is not present in population databases (gnomAD no frequency). This premature translational stop signal has been observed in individual(s) with dilated cardiomyopathy (Invitae). This variant is located in the A band of TTN (PMID: 25589632). Truncating variants in this region are significantly overrepresented in patients affected with dilated cardiomyopathy (PMID: 25589632). Truncating variants in this region have also been reported in individuals affected with autosomal recessive centronuclear myopathy (PMID: 23975875). In summary, the currently available evidence indicates that the variant is pathogenic, but additional data are needed to prove that conclusively. Therefore, this variant has been classified as Likely Pathogenic.

Literature cited by the submitters: PubMed 25589632; PubMed 23975875.